The following is an entry in ClinVar:

ClinVar aggregate classification (germline): Uncertain significance (1 of 4 stars; one submission).

Conditions:
Joubert syndrome. Also called: JOUBERT-BOLTSHAUSER SYNDROME; Familial aplasia of the vermis. Identifiers: Orphanet 475, MedGen C5979921, MONDO:0018772.
Meckel-Gruber syndrome. Also called: DYSENCEPHALIA SPLANCHNOCYSTICA; GRUBER SYNDROME; Dysencephalia splachnocystica. Identifiers: Orphanet 564, MedGen C0265215, MONDO:0018921.

gnomAD v4.1: 1 of 1,613,398 alleles (0.000062%); no homozygotes.

Submission:

Labcorp Genetics (formerly Invitae), Labcorp
Classification: Uncertain significance for Joubert syndrome; Meckel-Gruber syndrome. Last evaluated: 2021-12-14. Review status: criteria provided, single submitter. Criteria: Invitae Variant Classification Sherloc (09022015). Collection method: clinical testing. Allele origin: germline.
Comment: This sequence change replaces glutamic acid, which is acidic and polar, with aspartic acid, which is acidic and polar, at codon 537 of the CC2D2A protein (p.Glu537Asp). This variant is not present in population databases (gnomAD no frequency). This variant has not been reported in the literature in individuals affected with CC2D2A-related conditions. Algorithms developed to predict the effect of missense changes on protein structure and function are either unavailable or do not agree on the potential impact of this missense change (SIFT: "Tolerated"; PolyPhen-2: "Probably Damaging"; Align-GVGD: "Class C0"). In summary, the available evidence is currently insufficient to determine the role of this variant in disease. Therefore, it has been classified as a Variant of Uncertain Significance.

NM_001378615.1(CC2D2A):c.1611A>C (p.Glu537Asp)

Genes: CC2D2A (coiled-coil and C2 domain containing 2A; plus strand), FBXL5 (F-box and leucine rich repeat protein 5; minus strand). Cytogenetic location: 4p15.32.
Variant type: single nucleotide variant.
Coding change: c.1611A>C on transcript NM_001378615.1 (MANE Select); coding-DNA position 1611, A replaced by C.
Protein change: p.Glu537Asp; replaces glutamic acid 537 with aspartic acid.
Molecular consequence: missense variant.
Genome position (GRCh38, 1-based): chr4:15,536,923, A>C. VCF-style: chr4-15536923-A-C. GRCh37 (hg19) VCF-style: chr4-15538546-A-C.
Other names: c.1611A>C, p.Glu537Asp (NM_001080522.2); c.1464A>C, p.Glu488Asp (NM_001378617.1); short protein forms E537D, E488D.
Identifiers: ClinVar variation 1507728 (VCV001507728.6), dbSNP rs762714528, ClinGen allele CA356411164.